The following is an entry in ClinVar:

NM_007294.4(BRCA1):c.4186-3420A>T

Gene: BRCA1 (BRCA1 DNA repair associated; minus strand). Cytogenetic location: 17q21.31.
Variant type: single nucleotide variant.
Coding change: c.4186-3420A>T on transcript NM_007294.4 (MANE Select); 3420 bases into the intron before coding-DNA position 4186, A replaced by T.
Molecular consequence: intron variant.
Genome position (GRCh38, 1-based): chr17:43,085,995, T>A on the plus strand (A>T on the coding strand, the complement: BRCA1 is on the minus strand). VCF-style: chr17-43085995-T-A. GRCh37 (hg19) VCF-style: chr17-41238012-T-A.
Other names: IVS 12-3420A>T; c.736-3420A>T (NM_001408458.1, NM_001408453.1, NM_001408461.1 and 8 more transcripts); c.3298-3420A>T (NM_001407967.1, NM_001407966.1); c.3805-3420A>T (NM_001407959.1, NM_001407960.1); c.3919-3420A>T (NM_001407931.1, NM_001407932.1, NM_001407936.1 and 1 more transcripts); c.4042-3420A>T (NM_001407747.1, NM_001407839.1, NM_001407745.1 and 17 more transcripts); c.3802-3420A>T (NM_001407962.1); c.373-3420A>T (NM_001408512.1); and 65 more.
Identifiers: ClinVar variation 209421 (VCV000209421.2), dbSNP rs8176174, ClinGen allele CA276393.

ClinVar aggregate classification (germline): Benign (3 of 4 stars; one submission).

Conditions:
Breast-ovarian cancer, familial, susceptibility to, 1 (BROVCA1). Also called: BRCA1 Hereditary Breast and Ovarian Cancer; OVARIAN CANCER, SUSCEPTIBILITY TO. Identifiers: Orphanet 145, MedGen C2676676, MONDO:0011450, OMIM 604370. Disease mechanism: loss of function.

Allele frequency attached by ClinVar (database versions not stated): gnomAD 0.00948 and 0.01017; 1000 Genomes Project 0.01058; TOPMed 0.01105; 1000 Genomes Project 30x 0.01171.
gnomAD v4.1: 1,432 of 152,234 alleles (0.94%); highest among the groups gnomAD compares: African/African-American, 3.3%; 19 homozygotes.

Submission:

Evidence-based Network for the Interpretation of Germline Mutant Alleles (ENIGMA)
Classification: Benign for Breast-ovarian cancer, familial 1. Last evaluated: 2015-01-12. Review status: reviewed by expert panel. Criteria: ENIGMA BRCA1/2 Classification Criteria (2015). Collection method: curation. Allele origin: germline.
Comment: Class 1 not pathogenic based on frequency >1% in an outbred sampleset. Frequency 0.06301 (African), derived from 1000 genomes (2012-04-30).